The following is an entry in ClinVar:

ClinVar aggregate classification (germline): Likely pathogenic (1 of 4 stars; one submission).

Conditions:
Developmental and epileptic encephalopathy, 7 (DEE7). Also called: Early infantile epileptic encephalopathy 7; KCNQ2-Related Neonatal-Onset Developmental and Epileptic Encephalopathy (NEO-DEE); KCNQ2-Related Neonatal Epileptic Encephalopathy. Identifiers: Orphanet 439218, MedGen C3150986, MONDO:0013387, OMIM 613720.

Submission:

3billion
Classification: Likely pathogenic for Developmental and epileptic encephalopathy, 7. Last evaluated: 2023-02-23. Review status: criteria provided, single submitter. Criteria: ACMG Guidelines, 2015. Collection method: clinical testing. Allele origin: unknown. Affected: yes.
Comment: The variant is not observed in the gnomAD v2.1.1 dataset. The variant is located in a mutational hot spot and/or well-established functional domain in which established pathogenic variants have been reported. Missense changes are a common disease-causing mechanism. In silico tool predictions suggest damaging effect of the variant on gene or gene product (REVEL: 0.97; 3Cnet: 1.00). Different missense changes at the same codon (p.Gly279Asp, p.Gly279Cys, p.Gly279Ser) have been reported to be associated with KCNQ2-related disorder (ClinVar ID: VCV000369765, VCV001701799 / PMID: 25959266, 27734276). Therefore, this variant is classified as Likely pathogenic according to the recommendation of ACMG/AMP guideline.

Literature cited by the submitters: PubMed 27734276; PubMed 25959266.

NM_172107.4(KCNQ2):c.836G>T (p.Gly279Val)

Gene: KCNQ2 (potassium voltage-gated channel subfamily Q member 2; minus strand). Cytogenetic location: 20q13.33.
Variant type: single nucleotide variant.
Coding change: c.836G>T on transcript NM_172107.4 (MANE Select); coding-DNA position 836, G replaced by T.
Protein change: p.Gly279Val; replaces glycine 279 with valine.
Molecular consequence: missense variant.
Genome position (GRCh38, 1-based): chr20:63,439,689, C>A on the plus strand (G>T on the coding strand, the complement: KCNQ2 is on the minus strand). VCF-style: chr20-63439689-C-A. GRCh37 (hg19) VCF-style: chr20-62071042-C-A.
Other names: c.836G>T, p.Gly279Val (NM_001382235.1, NM_004518.6, NM_172106.3 and 2 more transcripts); short protein forms G279V.
Identifiers: ClinVar variation 2444145 (VCV002444145.1), dbSNP rs2145719551, ClinGen allele CA409652715.
Genomic context (GRCh38, chr20:63,439,689, plus strand): 5'-AGGGTGAAGGTTGCCGCAAGGAGCCTGCCGTTCCAGGTCTGGGGGTACTTGTCCCCGTAG[C>A]CAATGGTGGTCAGCGTGATCTGTGGGACCGCAGGCTCTAGTCACACGAAGGGCCTGCTCA-3'
Protein context (NP_742105.1, residues 269-289): WWGLITLTTI[Gly279Val]YGDKYPQTWN